The following is an entry in ClinVar:

ClinVar aggregate classification (germline): Conflicting classifications of pathogenicity. Review status: criteria provided, conflicting classifications (1 of 4 stars). 8 submissions from 8 submitters: Uncertain significance (6); Likely benign (1). 1 of the submissions does not count toward it. Last evaluated 2026-01-28.

Conditions:
Autosomal recessive limb-girdle muscular dystrophy. Identifiers: Orphanet 102015, MedGen C2931907, MONDO:0015152.
Neuromuscular disease caused by qualitative or quantitative defects of dysferlin. Also called: Dysferlinopathy; Qualitative or quantitative defects of dysferlin. Identifiers: Orphanet 207073, MedGen C2931687, MONDO:0016145.
Autosomal recessive limb-girdle muscular dystrophy type 2B (LGMDR2). Also called: MUSCULAR DYSTROPHY, LIMB-GIRDLE, TYPE 3; Limb-Girdle Muscular Dystrophy Type 2B (LGMD2B); MUSCULAR DYSTROPHY, LIMB-GIRDLE, AUTOSOMAL RECESSIVE 2; Limb-girdle muscular dystrophy, type 2B. Identifiers: Orphanet 268, MedGen C1850889, MONDO:0009676, OMIM 253601.

Allele frequency attached by ClinVar (database versions not stated): gnomAD 0.00010 and 0.00011; ExAC 0.00014; ESP Exome Variant Server 0.00015; 1000 Genomes Project 30x 0.00016; TOPMed 0.00018; 1000 Genomes Project 0.00020; gnomAD exomes 0.00020.
gnomAD v4.1: 192 of 1,614,214 alleles (0.012%); highest among the groups gnomAD compares: Admixed American, 0.068%; no homozygotes.

Submissions (8):

Labcorp Genetics (formerly Invitae), Labcorp
Classification: Likely benign for Neuromuscular disease caused by qualitative or quantitative defects of dysferlin. Last evaluated: 2026-01-28. Review status: criteria provided, single submitter. Criteria: Invitae Variant Classification Sherloc (09022015). Collection method: clinical testing. Allele origin: germline.

Myriad Genetics, Inc.
Classification: Uncertain significance for Autosomal recessive limb-girdle muscular dystrophy. Last evaluated: 2025-08-11. Review status: criteria provided, single submitter. Criteria: Myriad Autosomal Dominant, Autosomal Recessive and X-Linked Classification Criteria (2023). Collection method: clinical testing. Allele origin: unknown.
Comment: NM_003494.3(DYSF):c.622A>G(T208A) is a missense variant classified as a variant of uncertain significance in the context of dysferlinopathy. T208A has been observed in cases with relevant disease (PMID: 39678382). Relevant functional assessments of this variant are not available in the literature. T208A has been observed in referenced population frequency databases. In summary, there is insufficient evidence to classify NM_003494.3(DYSF):c.622A>G(T208A) as pathogenic or benign. Please note: this variant was assessed in the context of healthy population screening.

Revvity Omics, Revvity
Classification: Uncertain significance. Last evaluated: 2025-04-14. Review status: criteria provided, single submitter. Criteria: ACMG Guidelines, 2015. Collection method: clinical testing. Allele origin: germline.

Dasa
Classification: Uncertain significance. Last evaluated: 2025-01-14. Review status: criteria provided, single submitter. Criteria: DASA Assertion Criteria. Collection method: clinical testing. Allele origin: germline.
Comment: NM_001130987.2(DYSF):c.718A>G (p.Thr240Ala) is a missense variant that results in the substitution of threonine with alanine. This variant is rare in population databases. Computational prediction algorithms are consistent with a benign effect. The currently available literature and clinical evidence are not sufficient to establish a definitive association between this variant and the reported condition. Therefore, this variant is classified as a variant of uncertain significance.

GeneDx
Classification: Uncertain significance. Last evaluated: 2024-11-06. Review status: criteria provided, single submitter. Criteria: GeneDx Variant Classification Process June 2021. Collection method: clinical testing. Allele origin: germline. Affected: yes.
Comment: In silico analysis indicates that this missense variant does not alter protein structure/function; Has not been previously published as pathogenic or benign to our knowledge

Eurofins Ntd Llc (ga)
Classification: Uncertain significance. Last evaluated: 2018-05-03. Review status: criteria provided, single submitter. Criteria: EGL ClinVar v180209 classification definitions. Collection method: clinical testing. Allele origin: germline. Observed: 1 variant allele, 1 heterozygote.

Illumina Laboratory Services, Illumina
Classification: Uncertain significance for Qualitative or quantitative defects of dysferlin. Last evaluated: 2018-01-13. Review status: criteria provided, single submitter. Criteria: ICSL Variant Classification Criteria 13 December 2019. Collection method: clinical testing. Allele origin: germline.

Natera, Inc.
Classification: Uncertain significance for Limb-girdle muscular dystrophy type 2B. Last evaluated: 2020-04-23. Review status: no assertion criteria provided. Collection method: clinical testing. Allele origin: germline. Not counted in ClinVar's aggregate classification.

Literature cited by the submitters: PubMed 39678382 (cited by Myriad Genetics, Inc.).

NM_001130987.2(DYSF):c.718A>G (p.Thr240Ala)

Gene: DYSF (dysferlin; plus strand). Cytogenetic location: 2p13.2.
Variant type: single nucleotide variant.
Coding change: c.718A>G on transcript NM_001130987.2 (MANE Select); coding-DNA position 718, A replaced by G.
Protein change: p.Thr240Ala; replaces threonine 240 with alanine.
Molecular consequence: missense variant.
Genome position (GRCh38, 1-based): chr2:71,513,880, A>G. VCF-style: chr2-71513880-A-G. GRCh37 (hg19) VCF-style: chr2-71741010-A-G.
Other names: c.625A>G, p.Thr209Ala (NM_001130455.2, NM_001130983.2, NM_001130984.2 and 1 more transcripts); c.622A>G, p.Thr208Ala (NM_001130976.2, NM_001130977.2, NM_001130978.2 and 1 more transcripts); c.715A>G, p.Thr239Ala (NM_001130979.2, NM_001130980.2, NM_001130981.2); c.718A>G, p.Thr240Ala (NM_001130982.2, NM_001130985.2); short protein forms T208A, T240A, T209A, T239A.
Identifiers: ClinVar variation 336945 (VCV000336945.29), dbSNP rs150029218, ClinGen allele CA1705427.